The following is an entry in ClinVar:

ClinVar aggregate classification (germline): Uncertain significance. Review status: criteria provided, multiple submitters, no conflicts (2 of 4 stars). 2 submissions from 2 submitters: Uncertain significance (2). Last evaluated 2024-09-28.

Conditions:
Melnick-Fraser syndrome (BOR). Also called: Branchio-oto-renal syndrome; Branchiootorenal Syndrome (BORS); Branchiootorenal syndrome. Identifiers: Orphanet 107, MedGen C0265234, MONDO:0007029.

Allele frequency attached by ClinVar (database versions not stated): gnomAD 0.00001.
gnomAD v4.1: 1 of 1,599,702 alleles (0.000063%); highest among the groups gnomAD compares: Non-Finnish European, 0.000086%; no homozygotes.

Submissions (2):

Labcorp Genetics (formerly Invitae), Labcorp
Classification: Uncertain significance for Melnick-Fraser syndrome. Last evaluated: 2024-09-28. Review status: criteria provided, single submitter. Criteria: Invitae Variant Classification Sherloc (09022015). Collection method: clinical testing. Allele origin: germline.
Comment: This sequence change replaces lysine, which is basic and polar, with arginine, which is basic and polar, at codon 566 of the EYA1 protein (p.Lys566Arg). This variant is not present in population databases (gnomAD no frequency). This variant has not been reported in the literature in individuals affected with EYA1-related conditions. ClinVar contains an entry for this variant (Variation ID: 2575540). An algorithm developed to predict the effect of missense changes on protein structure and function (PolyPhen-2) suggests that this variant is likely to be disruptive. In summary, the available evidence is currently insufficient to determine the role of this variant in disease. Therefore, it has been classified as a Variant of Uncertain Significance.

GeneDx
Classification: Uncertain significance. Last evaluated: 2023-02-09. Review status: criteria provided, single submitter. Criteria: GeneDx Variant Classification Process June 2021. Collection method: clinical testing. Allele origin: germline. Affected: yes.
Comment: Not observed at significant frequency in large population cohorts (gnomAD); In silico analysis supports that this missense variant does not alter protein structure/function; Has not been previously published as pathogenic or benign to our knowledge; In silico analysis is inconclusive as to whether the variant alters gene splicing. In the absence of RNA/functional studies, the actual effect of this sequence change is unknown.

NM_000503.6(EYA1):c.1697A>G (p.Lys566Arg)

Gene: EYA1 (EYA transcriptional coactivator and phosphatase 1; minus strand). Cytogenetic location: 8q13.3.
Variant type: single nucleotide variant.
Coding change: c.1697A>G on transcript NM_000503.6 (MANE Select); coding-DNA position 1697, A replaced by G.
Protein change: p.Lys566Arg; replaces lysine 566 with arginine.
Molecular consequence: missense variant.
Genome position (GRCh38, 1-based): chr8:71,211,157, T>C on the plus strand (A>G on the coding strand, the complement: EYA1 is on the minus strand). VCF-style: chr8-71211157-T-C. GRCh37 (hg19) VCF-style: chr8-72123392-T-C.
Other names: c.1679A>G, p.Lys560Arg (NM_001288574.2, NM_172059.5); c.1331A>G, p.Lys444Arg (NM_001288575.2); c.1784A>G, p.Lys595Arg (NM_001370333.1); c.1697A>G, p.Lys566Arg (NM_001370334.1, NM_001370335.1, NM_172058.4); c.1676A>G, p.Lys559Arg (NM_001370336.1); c.1598A>G, p.Lys533Arg (NM_001411797.1, NM_172060.4); short protein forms K444R, K533R, K559R, K560R, K566R, K595R.
Identifiers: ClinVar variation 2575540 (VCV002575540.3), dbSNP rs143798228, ClinGen allele CA371465807.
Genomic context (GRCh38, chr8:71,211,157, plus strand): 5'-GAGAATACTGAGGACTGAAAAAACAAATGAGACAAGATGCACCATCTAGGAATGCTCACC[T>C]TTTTTGCTCCTTGTTCTTCTTCTACACCATCTCCTATAACAACATACACCACTTTTCTTC-3'
Protein context (NP_000494.2, residues 556-576): DGVEEEQGAK[Lys566Arg]HAMPFWRISS